The following is an entry in ClinVar:

ClinVar aggregate classification (germline): Uncertain significance. Review status: criteria provided, multiple submitters, no conflicts (2 of 4 stars). 2 submissions from 2 submitters: Uncertain significance (2). Last evaluated 2026-07-06.

Conditions:
Hereditary pheochromocytoma and paraganglioma. Also called: Hereditary paragangliomas and pheochromocytomas; Hereditary pheochromocytoma-paraganglioma; Hereditary Paraganglioma-Pheochromocytoma Syndromes. Identifiers: Orphanet 29072, MedGen C4274332, MONDO:0017366.
Hereditary cancer-predisposing syndrome. Also called: Tumor predisposition; Hereditary neoplastic syndrome; Hereditary Cancer Syndrome; Neoplastic Syndromes, Hereditary. Identifiers: Orphanet 140162, MedGen C0027672, MeSH D009386, MONDO:0015356.

Submissions (2):

Ambry Genetics
Classification: Uncertain significance for Hereditary cancer-predisposing syndrome. Last evaluated: 2026-07-06. Review status: criteria provided, single submitter. Criteria: Ambry Variant Classification Scheme 2023. Collection method: clinical testing. Allele origin: germline.
Comment: The p.S113R variant (also known as c.337A>C), located in coding exon 3 of the SDHAF2 gene, results from an A to C substitution at nucleotide position 337. The serine at codon 113 is replaced by arginine, an amino acid with dissimilar properties. This amino acid position is conserved. In addition, this alteration is predicted to be deleterious by in silico analysis. Based on the available evidence, the clinical significance of this variant remains unclear.

Labcorp Genetics (formerly Invitae), Labcorp
Classification: Uncertain significance for Hereditary pheochromocytoma and paraganglioma. Last evaluated: 2024-05-15. Review status: criteria provided, single submitter. Criteria: Invitae Variant Classification Sherloc (09022015). Collection method: clinical testing. Allele origin: germline.
Comment: This sequence change replaces serine, which is neutral and polar, with arginine, which is basic and polar, at codon 113 of the SDHAF2 protein (p.Ser113Arg). This variant is not present in population databases (gnomAD no frequency). This variant has not been reported in the literature in individuals affected with SDHAF2-related conditions. An algorithm developed to predict the effect of missense changes on protein structure and function (PolyPhen-2) suggests that this variant is likely to be tolerated. In summary, the available evidence is currently insufficient to determine the role of this variant in disease. Therefore, it has been classified as a Variant of Uncertain Significance.

NM_017841.4(SDHAF2):c.337A>C (p.Ser113Arg)

Gene: SDHAF2 (succinate dehydrogenase complex assembly factor 2; plus strand). Cytogenetic location: 11q12.2.
Variant type: single nucleotide variant.
Coding change: c.337A>C on transcript NM_017841.4 (MANE Select); coding-DNA position 337, A replaced by C.
Protein change: p.Ser113Arg; replaces serine 113 with arginine.
Molecular consequence: missense variant.
Genome position (GRCh38, 1-based): chr11:61,438,080, A>C. VCF-style: chr11-61438080-A-C. GRCh37 (hg19) VCF-style: chr11-61205552-A-C.
Other names: short protein forms S113R.
Identifiers: ClinVar variation 3653425 (VCV003653425.3).